The following is an entry in ClinVar:

NM_012470.4(TNPO3):c.1358C>T (p.Pro453Leu)

Gene: TNPO3 (transportin 3; minus strand). Cytogenetic location: 7q32.1.
Variant type: single nucleotide variant.
Coding change: c.1358C>T on transcript NM_012470.4 (MANE Select); coding-DNA position 1358, C replaced by T.
Protein change: p.Pro453Leu; replaces proline 453 with leucine.
Molecular consequence: missense variant. On other transcripts: non-coding transcript variant (16).
Genome position (GRCh38, 1-based): chr7:128,991,999, G>A on the plus strand (C>T on the coding strand, the complement: TNPO3 is on the minus strand). VCF-style: chr7-128991999-G-A. GRCh37 (hg19) VCF-style: chr7-128632053-G-A.
Other names: c.1358C>T, p.Pro453Leu (NM_001191028.3, NM_001382216.1, NM_001382218.1 and 2 more transcripts); c.1439C>T, p.Pro480Leu (NM_001382217.1); c.1250C>T, p.Pro417Leu (NM_001382219.1); c.1214C>T, p.Pro405Leu (NM_001382221.1); c.1211C>T, p.Pro404Leu (NM_001382222.1); short protein forms P404L, P417L, P480L, P453L, P405L.
Identifiers: ClinVar variation 3668422 (VCV003668422.2).
Genomic context (GRCh38, chr7:128,991,999, plus strand): 5'-TGTCATTTTCCTTCCTCTTGATATTTAGAGTTCCCAGCAAAAGACTTATGAGACACTCAC[G>A]GATCAACACTCTTTGCTATAGCAGCCATGATAAAGAGAACCGCTTCTGTCACCTCCCAGG-3'
Protein context (NP_036602.1, residues 443-463): IMAAIAKSVD[Pro453Leu]ENNPTLVEVL

ClinVar aggregate classification (germline): Uncertain significance (1 of 4 stars; one submission).

Conditions:
Autosomal dominant limb-girdle muscular dystrophy type 1F (LGMDD2). Also called: Limb-girdle muscular dystrophy, type 1F; MUSCULAR DYSTROPHY, LIMB-GIRDLE, AUTOSOMAL DOMINANT 2. Identifiers: Orphanet 55595, MedGen C1842062, MONDO:0012034, OMIM 608423.

gnomAD v4.1: 9 of 1,590,182 alleles (0.00057%); highest among the groups gnomAD compares: Admixed American, 0.0018%; no homozygotes.

Submission:

Labcorp Genetics (formerly Invitae), Labcorp
Classification: Uncertain significance for Autosomal dominant limb-girdle muscular dystrophy type 1F. Last evaluated: 2024-04-13. Review status: criteria provided, single submitter. Criteria: Invitae Variant Classification Sherloc (09022015). Collection method: clinical testing. Allele origin: germline.
Comment: This sequence change replaces proline, which is neutral and non-polar, with leucine, which is neutral and non-polar, at codon 453 of the TNPO3 protein (p.Pro453Leu). The frequency data for this variant in the population databases is considered unreliable, as metrics indicate poor data quality at this position in the gnomAD database. This variant has not been reported in the literature in individuals affected with TNPO3-related conditions. An algorithm developed to predict the effect of missense changes on protein structure and function (PolyPhen-2) suggests that this variant is likely to be tolerated. In summary, the available evidence is currently insufficient to determine the role of this variant in disease. Therefore, it has been classified as a Variant of Uncertain Significance.